The following is an entry in ClinVar:

ClinVar aggregate classification (germline): Likely pathogenic (1 of 4 stars; one submission).

Conditions:
Hereditary cancer-predisposing syndrome. Also called: Hereditary Cancer Syndrome; Hereditary neoplastic syndrome; Neoplastic Syndromes, Hereditary; Tumor predisposition. Identifiers: Orphanet 140162, MedGen C0027672, MeSH D009386, MONDO:0015356.

Submission:

Sema4
Classification: Likely pathogenic for Hereditary cancer-predisposing syndrome. Last evaluated: 2021-09-27. Review status: criteria provided, single submitter. Criteria: Sema4 Curation Guidelines. Collection method: curation. Allele origin: germline.
Comment: The PALB2 c.390_391insT (p.R131X) variant has not been reported in the literature to our knowledge. This variant creates a premature stop codon at residue 131 of the PALB2 protein. At this location, nonsense-mediated decay is predicted to occur, causing a loss of function. Loss of function variants in PALB2 are known to be pathogenic (PMID: 17200668). This variant is not reported in the population database Genome Aggregation Database (PMID: 32461654), and has not been reported in ClinVar. Based on the current evidence available, this variant is interpreted as likely pathogenic.

Literature cited by the submitters: PubMed 17200668.

NM_024675.4(PALB2):c.390_391insT (p.Arg131Ter)

Gene: PALB2 (partner and localizer of BRCA2; minus strand). Cytogenetic location: 16p12.2.
Variant type: Insertion.
Coding change: c.390_391insT on transcript NM_024675.4 (MANE Select); coding-DNA positions 390 to 391, T inserted.
Protein change: p.Arg131Ter; replaces arginine 131 with a stop codon.
Molecular consequence: nonsense.
Genome position: GRCh38 VCF-style: chr16-23636155-T-TA. GRCh37 (hg19) VCF-style: chr16-23647476-T-TA.
Other names: short protein forms R131*.
Identifiers: ClinVar variation 1691953 (VCV001691953.1), dbSNP rs2142444537, ClinGen allele CA2573152319.
Genomic context (GRCh38, chr16:23,636,155, plus strand): 5'-GCTGCTTCTTTCTTCTGCTTGGCAGCTTCTGCTTTTGCTCACCACTAGGGTCACTGACCC[T>TA]GTGGGGAAAATGTTCTTGGGTGTCATCTGTTCTTTGTATAGGTAATCCTCCTGGGCCATC-3'